The following is an entry in ClinVar:

NM_001358921.2(COQ2):c.533A>G (p.Asn178Ser)

Gene: COQ2 (coenzyme Q2, polyprenyltransferase; minus strand). Cytogenetic location: 4q21.23.
Variant type: single nucleotide variant.
Coding change: c.533A>G on transcript NM_001358921.2 (MANE Select); coding-DNA position 533, A replaced by G.
Protein change: p.Asn178Ser; replaces asparagine 178 with serine.
Molecular consequence: missense variant.
Genome position (GRCh38, 1-based): chr4:83,273,505, T>C on the plus strand (A>G on the coding strand, the complement: COQ2 is on the minus strand). VCF-style: chr4-83273505-T-C. GRCh37 (hg19) VCF-style: chr4-84194658-T-C.
Other names: c.683A>G, p.Asn228Ser (NM_015697.9); short protein forms N228S, N178S.
Identifiers: ClinVar variation 1439 (VCV000001439.19), dbSNP rs121918232, ClinGen allele CA250023.

ClinVar aggregate classification (germline): Conflicting classifications of pathogenicity. Review status: criteria provided, conflicting classifications (1 of 4 stars). 13 submissions from 13 submitters: Pathogenic (8); Likely pathogenic (1); Uncertain significance (1). 3 of the submissions do not count toward it. Last evaluated 2026-09-10.

Conditions:
Autosomal recessive COQ2-related disorders.
COQ2-related disorder. Also called: COQ2-related condition.
Coenzyme Q10 deficiency. Also called: Coenzyme Q10 deficiency, primary. Identifiers: Orphanet 35656, MedGen C1843920, MONDO:0018151.
Inborn genetic diseases. Identifiers: MedGen C0950123, MeSH D030342.
Nephrotic syndrome. Identifiers: MedGen C0027726, MONDO:0005377, HP:0000100.
Coenzyme Q10 deficiency, primary, 1. Also called: UBIQUINONE DEFICIENCY 1; COENZYME Q DEFICIENCY 1; CoQ DEFICIENCY 1. Identifiers: Orphanet 255249, MedGen C3551954, MONDO:0011829, OMIM 607426.

Allele frequency attached by ClinVar (database versions not stated): TOPMed 0.00011; ExAC 0.00017; gnomAD 0.00009; gnomAD exomes 0.00012 and 0.00019.
gnomAD v4.1: 291 of 1,613,012 alleles (0.018%); highest among the groups gnomAD compares: Non-Finnish European, 0.024%; no homozygotes.

Submissions (13):

GeneDx
Classification: Pathogenic. Last evaluated: 2026-09-10. Review status: criteria provided, single submitter. Criteria: GeneDx Variant Classification Process June 2021. Collection method: clinical testing. Allele origin: germline.
Comment: Observed multiple times with another COQ2 variant in patients with childhood-onset renal disease in published literature, but it is not known whether the variants occurred on the same (in cis) or on different (in trans) chromosomes (PMID: 29127259, 29637272, 30295827); Published functional studies in yeast suggest a damaging effect: decreased CoQ content compared to wild type (PMID: 27493029); In silico analysis supports that this missense variant has a deleterious effect on protein structure/function; This variant is associated with the following publications: (PMID: 20495179, 25373618, 31660881, 30295827, 29637272, 33426503, 23343605, 27493029, 17855635, 18235438, 23349334, 20689595, 35483523, 36266294, 29869118, 38774208, 37734845, 41278323, 41767521, DeMonteD2025[preprint], 42206750, 39601013, 36420660, 29127259)

PreventionGenetics, part of Exact Sciences
Classification: Pathogenic for COQ2-related condition. Last evaluated: 2026-04-03. Review status: criteria provided, single submitter. Criteria: ACMG Guidelines, 2015. Collection method: clinical testing. Allele origin: germline.
Comment: The COQ2 c.683A>G variant is predicted to result in the amino acid substitution p.Asn228Ser. This variant has previously been reported to be causative for recessive COQ2-related steroid-resistant nephrotic syndrome (Diomedi-Camassei et al. 2007. PubMed ID: 17855635; McCarthy et al. 2013. PubMed ID: 23349334). This variant is reported in 0.023% of alleles in individuals of European (Non-Finnish) descent in gnomAD. This variant is interpreted as pathogenic.

Clinical Genetics and Genomics, Karolinska University Hospital
Classification: Likely pathogenic for Coenzyme Q10 deficiency, primary, 1. Last evaluated: 2026-02-10. Review status: criteria provided, single submitter. Criteria: ACMG Guidelines, 2015. Collection method: clinical testing. Allele origin: germline. Inheritance: Autosomal recessive inheritance. Affected: yes.

Ambry Genetics
Classification: Pathogenic for Inborn genetic diseases. Last evaluated: 2025-11-14. Review status: criteria provided, single submitter. Criteria: Ambry Variant Classification Scheme 2023. Collection method: clinical testing. Allele origin: germline.
Comment: The c.683A>G (p.N228S) alteration is located in exon 3 (coding exon 3) of the COQ2 gene. This alteration results from an A to G substitution at nucleotide position 683, causing the asparagine (N) at amino acid position 228 to be replaced by a serine (S). Based on data from the Genome Aggregation Database (gnomAD) database, the COQ2 c.683A>G alteration was observed in 0.01% (32/279612) of total alleles studied, with a frequency of 0.02% (29/127994) in the non-Finnish European subpopulation. This variant has been identified in the homozygous state and/or in conjunction with other COQ2 variant(s) in individual(s) with features consistent with COQ2-related primary coenzyme Q10 deficiency; in at least one instance, the variants were identified in trans (Diomedi-Camassei, 2007; McCarthy, 2013; Sadowski, 2015; Bezd&iacute;ka, 2018; Warejko, 2018; Starr, 2018; Schapiro, 2019; Jurkute, 2022; Drovandi, 2022; Schijvens, 2020). This amino acid position is highly conserved in available vertebrate species. Studies of patient skin fibroblasts with this alteration showed decreased CoQ10 levels, decreased ATP, increased protein oxidation, and cell death, while studies in a yeast model demonstrated decreased CoQ6 production (described as N178S/p.Asn178Ser due to alternate nomenclature) (Quinzii, 2010; Desbats, 2016). The in silico prediction for the p.N228S alteration is inconclusive. Based on the available evidence, this alteration is classified as pathogenic.

Labcorp Genetics (formerly Invitae), Labcorp
Classification: Pathogenic. Last evaluated: 2025-10-02. Review status: criteria provided, single submitter. Criteria: Invitae Variant Classification Sherloc (09022015). Collection method: clinical testing. Allele origin: germline.
Comment: This sequence change replaces asparagine, which is neutral and polar, with serine, which is neutral and polar, at codon 228 of the COQ2 protein (p.Asn228Ser). This variant is present in population databases (rs121918232, gnomAD 0.02%). This missense change has been observed in individual(s) with CoQ2-related steroid-resistant nephrotic syndrome (PMID: 17855635, 23349334, 25349199, 29127259, 29637272, 29869118, 33305107, 35483523). In at least one individual the data is consistent with being in trans (on the opposite chromosome) from a pathogenic variant. ClinVar contains an entry for this variant (Variation ID: 1439). Invitae Evidence Modeling of protein sequence and biophysical properties (such as structural, functional, and spatial information, amino acid conservation, physicochemical variation, residue mobility, and thermodynamic stability) indicates that this missense variant is not expected to disrupt COQ2 protein function with a negative predictive value of 80%. For these reasons, this variant has been classified as Pathogenic.

Variantyx, Inc.
Classification: Pathogenic for Autosomal recessive COQ2-related disorders. Last evaluated: 2025-06-19. Review status: criteria provided, single submitter. Criteria: Variantyx Assertion Criteria 2022. Collection method: clinical testing. Allele origin: germline. Inheritance: Autosomal recessive inheritance. Affected: no.
Comment: This is a nonsynonymous variant in the COQ2 gene (OMIM: 609825). Pathogenic variants in this gene have been associated with autosomal recessive COQ2-related disorders. This variant has been identified in the homozygous or compound heterozygous state in many individuals reported in the published literature (PMID: 17855635, 23349334 , 29127259 , 29637272 , 29869118 , 35483523) (PM3). Multiple computational algorithms predict a deleterious effect for this variant (REVEL score: 0.91) (PP3). This variant has a 0.0238% maximum allele frequency in non-founder control populations (PM2). Based on the current evidence, this variant is classified as pathogenic for autosomal recessive COQ2-related disorders.

Blueprint Genetics
Classification: Pathogenic for COQ2-related disorders. Last evaluated: 2024-09-14. Review status: criteria provided, single submitter. Criteria: ACMG Guidelines, 2015. Collection method: clinical testing. Allele origin: germline. Affected: yes. Observed: 5 variant alleles.

Department of Human Genetics, Hannover Medical School
Classification: Pathogenic for Coenzyme Q10 deficiency, primary, 1. Last evaluated: 2023-08-08. Review status: criteria provided, single submitter. Criteria: ACMG Guidelines, 2015. Collection method: clinical testing. Allele origin: germline. Inheritance: Autosomal recessive inheritance. Affected: yes.

Women's Health and Genetics/Laboratory Corporation of America, LabCorp
Classification: Pathogenic for Coenzyme Q10 deficiency, primary, 1. Last evaluated: 2022-10-07. Review status: criteria provided, single submitter. Criteria: LabCorp Variant Classification Summary - May 2015. Collection method: clinical testing. Allele origin: germline.
Comment: Variant summary: COQ2 c.683A>G (p.Asn228Ser) results in a conservative amino acid change in the encoded protein sequence. Four of five in-silico tools predict a damaging effect of the variant on protein function. The variant allele was found at a frequency of 0.00012 in 248218 control chromosomes. This frequency does not allow conclusions about variant significance. c.683A>G has been reported in the literature as biallelic compound heterozygous or homozygous genotypes in multiple comprehensively genotyped (WES or large NGS panel based analysis) individuals affected with Coenzyme Q10 Deficiency, Primary, 1 (example, Dimedl-Camassei_2007, McCarthy_2013, Sadowski_2015, Shapiro_2019, Warejko_2018). These data indicate that the variant is very likely to be associated with disease. To our knowledge, no variant specific experimental evidence demonstrating an impact on protein function has been reported although individuals with compound heterozygous genotypes have been reported with biochemical analyses demonstrating decreased activities of respiratory chain complexes (II + III) and decreased CoQ10 levels in the skeletal muscle and renal cortex, findings consistent with the pathophysiology of disease (Dimedl-Camassei_2007, Lopez_2010). Four clinical diagnostic laboratories have submitted clinical-significance assessments for this variant to ClinVar after 2014 without evidence for independent evaluation. Multiple laboratories reported the variant with conflicting assessments (VUS, n=2; Likely pathogenic, n=2). Based on the evidence outlined above, the variant was classified as pathogenic.

Broad Center for Mendelian Genomics, Broad Institute of MIT and Harvard
Classification: Uncertain significance for Coenzyme Q10 deficiency, primary, 1. Last evaluated: 2018-12-03. Review status: criteria provided, single submitter. Criteria: ACMG Guidelines, 2015. Collection method: research. Allele origin: germline. Inheritance: Autosomal recessive inheritance. Affected: yes.
Comment: Although this variant has been seen in the general population, its frequency is low enough to be consistent with a recessive carrier frequency. The presence of this variant in combination with a variant reported pathogenic by OMIM in ClinVar and in an individual with primary coenzyme q10 deficiency slightly increases the likelihood that the p.Asn228Ser variant is pathogenic (PMID: 17855635; Variation ID: 1438). Computational prediction tools and conservation analyses suggest that this variant may impact the protein, though this information is not predictive enough to determine pathogenicity. In summary, while there is some suspicion for a pathogenic role, the clinical significance of this variant is uncertain. ACMG/AMP Criteria applied: PM2, PP3, PM3_Supporting (Richards 2015).

Yale Center for Mendelian Genomics, Yale University
Classification: Likely pathogenic for Nephrotic syndrome. Last evaluated: 2017-11-10. Review status: no assertion criteria provided. Collection method: literature only. Allele origin: germline. Affected: yes. Observed: 1 compound heterozygote. Study: Yale Center for Mendelian Genomics. Not counted in ClinVar's aggregate classification.

OMIM
Classification: Pathogenic for COENZYME Q10 DEFICIENCY, PRIMARY, 1. Last evaluated: 2007-10-01. Review status: no assertion criteria provided. Collection method: literature only. Allele origin: germline. Not counted in ClinVar's aggregate classification.

GeneReviews
No classification provided. Condition: Coenzyme Q10 deficiency. Review status: no classification provided. Collection method: literature only. Allele origin: germline. Not counted in ClinVar's aggregate classification.

Literature cited by the submitters: PubMed 17855635 (cited by 6 submitters); PubMed 20495179 (cited by Ambry Genetics); PubMed 23349334 (cited by 4 submitters); PubMed 25349199 (cited by 3 submitters); PubMed 27493029 (cited by Ambry Genetics); PubMed 29127259 (cited by 5 submitters); PubMed 29637272 (cited by 3 submitters); PubMed 29869118 (cited by 3 submitters); PubMed 30295827 (cited by Ambry Genetics and Women's Health and Genetics/Laboratory Corporation of America, LabCorp); PubMed 33305107 (cited by Ambry Genetics and Labcorp Genetics (formerly Invitae), Labcorp); PubMed 35483523 (cited by 3 submitters); PubMed 36266294 (cited by Ambry Genetics); PubMed 20689595 (cited by Women's Health and Genetics/Laboratory Corporation of America, LabCorp); NCBI Bookshelf NBK410087 (cited by GeneReviews).